The following is an entry in ClinVar:

NM_004415.4(DSP):c.2338A>G (p.Thr780Ala)

Gene: DSP (desmoplakin; plus strand). Cytogenetic location: 6p24.3.
Variant type: single nucleotide variant.
Coding change: c.2338A>G on transcript NM_004415.4 (MANE Select); coding-DNA position 2338, A replaced by G.
Protein change: p.Thr780Ala; replaces threonine 780 with alanine.
Molecular consequence: missense variant.
Genome position (GRCh38, 1-based): chr6:7,574,697, A>G. VCF-style: chr6-7574697-A-G. GRCh37 (hg19) VCF-style: chr6-7574930-A-G.
Other names: c.2338A>G, p.Thr780Ala (NM_001008844.3, NM_001319034.2); short protein forms T780A.
Identifiers: ClinVar variation 2946418 (VCV002946418.4), dbSNP rs2533906091, ClinGen allele CA362681102.
Genomic context (GRCh38, chr6:7,574,697, plus strand): 5'-GCTTCTTTTGCTCTTTCCAGCTTATGCACAGTAAGGGCACTGCTCCAGGCTATTCTCCAA[A>G]CAGAAGACATGTTAAAGGTTTATGAAGCCAGGCTCACTGAGGAGGAAACTGTCTGCCTGG-3'
Protein context (NP_004406.2, residues 770-790): VRALLQAILQ[Thr780Ala]EDMLKVYEAR

ClinVar aggregate classification (germline): Uncertain significance. Review status: criteria provided, multiple submitters, no conflicts (2 of 4 stars). 2 submissions from 2 submitters: Uncertain significance (2). Last evaluated 2025-04-05.

Conditions:
Cardiovascular phenotype. Identifiers: MedGen CN230736.
Arrhythmogenic cardiomyopathy with wooly hair and keratoderma. Also called: Dilated cardiomyopathy with woolly hair and keratoderma; PALMOPLANTAR KERATODERMA WITH LEFT VENTRICULAR CARDIOMYOPATHY AND WOOLLY HAIR; Carvajal syndrome; Arrhythmogenic cardiomyopathy with woolly hair and keratoderma. Identifiers: Orphanet 65282, MedGen C1854063, MONDO:0011581, OMIM 605676.
Arrhythmogenic right ventricular dysplasia 8 (ARVD8). Also called: Arrhythmogenic Right Ventricular Dysplasia/Cardiomyopathy 8; ARRHYTHMOGENIC RIGHT VENTRICULAR DYSPLASIA, FAMILIAL, 8; ARRHYTHMOGENIC RIGHT VENTRICULAR CARDIOMYOPATHY 8. Identifiers: MedGen C1843896, MONDO:0011831, OMIM 607450.

Allele frequency attached by ClinVar (database versions not stated): gnomAD exomes below 0.00001.
gnomAD v4.1: 1 of 1,614,060 alleles (0.000062%); highest among the groups gnomAD compares: Non-Finnish European, 0.000085%; no homozygotes.

Submissions (2):

Ambry Genetics
Classification: Uncertain significance for Cardiovascular phenotype. Last evaluated: 2025-04-05. Review status: criteria provided, single submitter. Criteria: Ambry Variant Classification Scheme 2023. Collection method: clinical testing. Allele origin: germline.

Labcorp Genetics (formerly Invitae), Labcorp
Classification: Uncertain significance for Arrhythmogenic cardiomyopathy with wooly hair and keratoderma; Arrhythmogenic right ventricular dysplasia 8. Last evaluated: 2023-04-09. Review status: criteria provided, single submitter. Criteria: Invitae Variant Classification Sherloc (09022015). Collection method: clinical testing. Allele origin: germline.
Comment: In summary, the available evidence is currently insufficient to determine the role of this variant in disease. Therefore, it has been classified as a Variant of Uncertain Significance. An algorithm developed to predict the effect of missense changes on protein structure and function (PolyPhen-2) suggests that this variant is likely to be tolerated. This variant has not been reported in the literature in individuals affected with DSP-related conditions. This variant is not present in population databases (gnomAD no frequency). This sequence change replaces threonine, which is neutral and polar, with alanine, which is neutral and non-polar, at codon 780 of the DSP protein (p.Thr780Ala).